The following is an entry in ClinVar:

ClinVar aggregate classification (germline): Uncertain significance (1 of 4 stars; one submission).

Conditions:
Walker-Warburg congenital muscular dystrophy. Also called: Muscular dystrophy-dystroglycanopathy, type A; Walker-Warburg syndrome. Identifiers: Orphanet 899, MedGen C0265221, MONDO:0000171.

Submission:

Labcorp Genetics (formerly Invitae), Labcorp
Classification: Uncertain significance for Walker-Warburg congenital muscular dystrophy. Last evaluated: 2021-08-24. Review status: criteria provided, single submitter. Criteria: Invitae Variant Classification Sherloc (09022015). Collection method: clinical testing. Allele origin: germline.
Comment: This sequence change replaces threonine with asparagine at codon 179 of the FKRP protein (p.Thr179Asn). The threonine residue is highly conserved and there is a small physicochemical difference between threonine and asparagine. The frequency data for this variant in the population databases is considered unreliable, as metrics indicate insufficient coverage at this position in the ExAC database. This variant has not been reported in the literature in individuals affected with FKRP-related conditions. Algorithms developed to predict the effect of missense changes on protein structure and function are either unavailable or do not agree on the potential impact of this missense change (SIFT: "Deleterious"; PolyPhen-2: "Possibly Damaging"; Align-GVGD: "Class C0"). In summary, the available evidence is currently insufficient to determine the role of this variant in disease. Therefore, it has been classified as a Variant of Uncertain Significance.

NM_024301.5(FKRP):c.536C>A (p.Thr179Asn)

Gene: FKRP (fukutin related protein; plus strand). Cytogenetic location: 19q13.32.
Variant type: single nucleotide variant.
Coding change: c.536C>A on transcript NM_024301.5 (MANE Select); coding-DNA position 536, C replaced by A.
Protein change: p.Thr179Asn; replaces threonine 179 with asparagine.
Molecular consequence: missense variant.
Genome position (GRCh38, 1-based): chr19:46,755,986, C>A. VCF-style: chr19-46755986-C-A. GRCh37 (hg19) VCF-style: chr19-47259243-C-A.
Other names: c.536C>A, p.Thr179Asn (NM_001039885.3); short protein forms T179N.
Identifiers: ClinVar variation 1057147 (VCV001057147.6), dbSNP rs2122617585, ClinGen allele CA406495521.